The following is an entry in ClinVar:

NM_001080467.3(MYO5B):c.*308C>T

Genes: SNHG22 (small nucleolar RNA host gene 22; plus strand), MYO5B (myosin VB; minus strand). Cytogenetic location: 18q21.1.
Variant type: single nucleotide variant.
Coding change: c.*308C>T on transcript NM_001080467.3 (MANE Select); 308 bases downstream of the stop codon, C replaced by T.
Molecular consequence: 3 prime UTR variant.
Genome position (GRCh38, 1-based): chr18:49,826,163, G>A on the plus strand (C>T on the coding strand, the complement: MYO5B is on the minus strand). VCF-style: chr18-49826163-G-A. GRCh37 (hg19) VCF-style: chr18-47352533-G-A.
Identifiers: ClinVar variation 326990 (VCV000326990.7), dbSNP rs555879, ClinGen allele CA10650909.

ClinVar aggregate classification (germline): Benign. Review status: criteria provided, multiple submitters, no conflicts (2 of 4 stars). 3 submissions from 3 submitters: Benign (3). Last evaluated 2021-06-19.

Conditions:
Congenital microvillous atrophy (DIAR2). Also called: DAVIDSON DISEASE; MICROVILLUS ATROPHY, CONGENITAL; Microvillus inclusion disease; Diarrhea 2 with microvillus atrophy, with or without cholestasis; CONGENITAL FAMILIAL PROTRACTED DIARRHEA WITH ENTEROCYTE BRUSH-BORDER ABNORMALITIES. Identifiers: Orphanet 2290, MedGen C0341306, MONDO:0009635, OMIM 251850.

Allele frequency attached by ClinVar (database versions not stated): 1000 Genomes Project 0.53534; gnomAD 0.53626 and 0.53747; 1000 Genomes Project 30x 0.54060; gnomAD exomes 0.54118; TOPMed 0.54903.
gnomAD v4.1: 197,538 of 366,126 alleles (54%); highest among the groups gnomAD compares: Admixed American, 62%; 53,808 homozygotes.

Submissions (3):

GeneDx
Classification: Benign. Last evaluated: 2021-06-19. Review status: criteria provided, single submitter. Criteria: GeneDx Variant Classification Process June 2021. Collection method: clinical testing. Allele origin: germline. Affected: yes.

Illumina Laboratory Services, Illumina
Classification: Benign for Congenital microvillous atrophy. Last evaluated: 2018-01-13. Review status: criteria provided, single submitter. Criteria: ICSL Variant Classification Criteria 13 December 2019. Collection method: clinical testing. Allele origin: germline.
Comment: This variant was observed in the ICSL laboratory as part of a predisposition screen in an ostensibly healthy population. It had not been previously curated by ICSL or reported in the Human Gene Mutation Database (HGMD: prior to June 1st, 2018), and was therefore a candidate for classification through an automated scoring system. Utilizing variant allele frequency, disease prevalence and penetrance estimates, and inheritance mode, an automated score was calculated to assess if this variant is too frequent to cause the disease. Based on the score and internal cut-off values, a variant classified as benign is not then subjected to further curation. The score for this variant resulted in a classification of benign for this disease.

Breakthrough Genomics
Classification: Benign. Review status: criteria provided, single submitter. Criteria: ACMG Guidelines, 2015. Collection method: not provided. Allele origin: germline. Inheritance: Autosomal recessive inheritance. Affected: yes.